The following is an entry in ClinVar:

ClinVar aggregate classification (germline): Uncertain significance (1 of 4 stars; one submission).

Conditions:
Propionic acidemia (PROP). Also called: GLYCINEMIA, KETOTIC; HYPERGLYCINEMIA WITH KETOACIDOSIS AND LEUKOPENIA; KETOTIC HYPERGLYCINEMIA. Identifiers: Orphanet 35, MedGen C0268579, MONDO:0011628, OMIM 606054, HP:0003571.

Allele frequency attached by ClinVar (database versions not stated): TOPMed below 0.00001; gnomAD exomes 0.00001; ESP Exome Variant Server 0.00008.
gnomAD v4.1: 17 of 1,613,310 alleles (0.0011%); highest among the groups gnomAD compares: Non-Finnish European, 0.0014%; no homozygotes.

Submission:

Labcorp Genetics (formerly Invitae), Labcorp
Classification: Uncertain significance for Propionic acidemia. Last evaluated: 2022-03-28. Review status: criteria provided, single submitter. Criteria: Invitae Variant Classification Sherloc (09022015). Collection method: clinical testing. Allele origin: germline.
Comment: This sequence change replaces glutamic acid, which is acidic and polar, with aspartic acid, which is acidic and polar, at codon 311 of the PCCA protein (p.Glu311Asp). This variant is not present in population databases (gnomAD no frequency). This variant has not been reported in the literature in individuals affected with PCCA-related conditions. ClinVar contains an entry for this variant (Variation ID: 1052538). Advanced modeling of protein sequence and biophysical properties (such as structural, functional, and spatial information, amino acid conservation, physicochemical variation, residue mobility, and thermodynamic stability) performed at Invitae indicates that this missense variant is not expected to disrupt PCCA protein function. In summary, the available evidence is currently insufficient to determine the role of this variant in disease. Therefore, it has been classified as a Variant of Uncertain Significance.

NM_000282.4(PCCA):c.933G>C (p.Glu311Asp)

Gene: PCCA (propionyl-CoA carboxylase subunit alpha; plus strand). Cytogenetic location: 13q32.3.
Variant type: single nucleotide variant.
Coding change: c.933G>C on transcript NM_000282.4 (MANE Select); coding-DNA position 933, G replaced by C.
Protein change: p.Glu311Asp; replaces glutamic acid 311 with aspartic acid.
Molecular consequence: missense variant. On other transcripts: 5 prime UTR variant (3), non-coding transcript variant (5).
Genome position (GRCh38, 1-based): chr13:100,273,214, G>C. VCF-style: chr13-100273214-G-C. GRCh37 (hg19) VCF-style: chr13-100925468-G-C.
Other names: c.855G>C, p.Glu285Asp (NM_001127692.3, NM_001352607.2, NM_001352608.2); c.933G>C, p.Glu311Asp (NM_001178004.2, NM_001352605.2, NM_001352606.2 and 1 more transcripts); c.-13G>C (NM_001352610.2, NM_001352611.2, NM_001352612.2); short protein forms E285D, E311D.
Identifiers: ClinVar variation 1052538 (VCV001052538.6), dbSNP rs369790356, ClinGen allele CA255984120.
Genomic context (GRCh38, chr13:100,273,214, plus strand): 5'-TTTTTGTCCGAAATGTAGACAAACATTTTTTTGTATATGTAGCATTTTTTTGGATGCGGA[G>C]ACTCGAAGAGCGATGGGAGAACAAGCTGTAGCTCTTGCCAGAGCAGTAAAATATTCCTCT-3'
Protein context (NP_000273.2, residues 301-321): EEAPSIFLDA[Glu311Asp]TRRAMGEQAV